The following is an entry in ClinVar:

ClinVar aggregate classification (germline): Pathogenic. Review status: criteria provided, multiple submitters, no conflicts (2 of 4 stars). 3 submissions from 3 submitters: Pathogenic (2). 1 of the submissions does not count toward it. Last evaluated 2024-10-17.

Conditions:
Primary ciliary dyskinesia. Also called: Ciliary dyskinesia. Identifiers: Orphanet 244, MedGen C0008780, MONDO:0016575, HP:0012265.

Allele frequency attached by ClinVar (database versions not stated): TOPMed below 0.00001.

Submissions (3):

Labcorp Genetics (formerly Invitae), Labcorp
Classification: Pathogenic for Primary ciliary dyskinesia. Last evaluated: 2024-10-17. Review status: criteria provided, single submitter. Criteria: Invitae Variant Classification Sherloc (09022015). Collection method: clinical testing. Allele origin: germline.
Comment: This sequence change creates a premature translational stop signal (p.Gln260*) in the DNAAF1 gene. It is expected to result in an absent or disrupted protein product. Loss-of-function variants in DNAAF1 are known to be pathogenic (PMID: 19944400, 19944405). This variant is not present in population databases (gnomAD no frequency). This premature translational stop signal has been observed in individual(s) with primary ciliary dyskinesia (PMID: 30067075). ClinVar contains an entry for this variant (Variation ID: 1344596). For these reasons, this variant has been classified as Pathogenic.

GeneDx
Classification: Pathogenic. Last evaluated: 2022-11-17. Review status: criteria provided, single submitter. Criteria: GeneDx Variant Classification Process June 2021. Collection method: clinical testing. Allele origin: germline. Affected: yes.
Comment: Nonsense variant predicted to result in protein truncation or nonsense mediated decay in a gene for which loss of function is a known mechanism of disease; Not observed at significant frequency in large population cohorts (gnomAD); This variant is associated with the following publications: (PMID: 30067075)

Yale Center for Mendelian Genomics, Yale University
Classification: Likely pathogenic for Primary ciliary dyskinesia. Last evaluated: 2018-08-01. Review status: no assertion criteria provided. Collection method: literature only. Allele origin: germline. Affected: yes. Observed: 1 compound heterozygote. Study: Yale Center for Mendelian Genomics. Not counted in ClinVar's aggregate classification.

Literature cited by the submitters: PubMed 19944400 (cited by Labcorp Genetics (formerly Invitae), Labcorp); PubMed 19944405 (cited by Labcorp Genetics (formerly Invitae), Labcorp); PubMed 30067075 (cited by Labcorp Genetics (formerly Invitae), Labcorp and Yale Center for Mendelian Genomics, Yale University).

NM_178452.6(DNAAF1):c.778C>T (p.Gln260Ter)

Gene: DNAAF1 (dynein axonemal assembly factor 1; plus strand). Cytogenetic location: 16q24.1.
Variant type: single nucleotide variant.
Coding change: c.778C>T on transcript NM_178452.6 (MANE Select); coding-DNA position 778, C replaced by T.
Protein change: p.Gln260Ter; replaces glutamine 260 with a stop codon.
Molecular consequence: nonsense.
Genome position (GRCh38, 1-based): chr16:84,159,711, C>T. VCF-style: chr16-84159711-C-T. GRCh37 (hg19) VCF-style: chr16-84193316-C-T.
Other names: c.778C>T (NM_178452.4); c.22C>T, p.Gln8Ter (NM_001318756.1); short protein forms Q260*, Q8*.
Identifiers: ClinVar variation 1344596 (VCV001344596.6), dbSNP rs2087613070, ClinGen allele CA396945014.